The following is an entry in ClinVar:

NM_000465.4(BARD1):c.2136C>T (p.Asp712=)

Gene: BARD1 (BRCA1 associated RING domain 1; minus strand). Cytogenetic location: 2q35.
Variant type: single nucleotide variant.
Coding change: c.2136C>T on transcript NM_000465.4 (MANE Select); coding-DNA position 2136, C replaced by T.
Protein change: p.Asp712=; no amino-acid change (aspartic acid 712 retained).
Molecular consequence: synonymous variant. On other transcripts: non-coding transcript variant (3).
Genome position (GRCh38, 1-based): chr2:214,728,874, G>A on the plus strand (C>T on the coding strand, the complement: BARD1 is on the minus strand). VCF-style: chr2-214728874-G-A. GRCh37 (hg19) VCF-style: chr2-215593598-G-A.
Other names: c.2079C>T, p.Asp693= (NM_001282543.2); c.783C>T, p.Asp261= (NM_001282545.2); c.726C>T, p.Asp242= (NM_001282548.2); c.597C>T, p.Asp199= (NM_001282549.2).
Identifiers: ClinVar variation 230012 (VCV000230012.22), dbSNP rs759046999, ClinGen allele CA2090075.

ClinVar aggregate classification (germline): Benign/Likely benign. Review status: criteria provided, multiple submitters, no conflicts (2 of 4 stars). 7 submissions from 7 submitters: Benign (1); Likely benign (5). 1 of the submissions does not count toward it. Last evaluated 2025-09-27.

Conditions:
BARD1-related disorder. Also called: BARD1-related condition.
Hereditary cancer-predisposing syndrome. Also called: Hereditary neoplastic syndrome; Hereditary Cancer Syndrome; Neoplastic Syndromes, Hereditary; Tumor predisposition. Identifiers: Orphanet 140162, MedGen C0027672, MeSH D009386, MONDO:0015356.
Familial cancer of breast. Also called: Hereditary breast cancer; BREAST CANCER, FAMILIAL; hereditary breast carcinoma. Identifiers: Orphanet 227535, MedGen C0346153, MONDO:0016419, OMIM 114480. Disease mechanism: loss of function.

Allele frequency attached by ClinVar (database versions not stated): TOPMed below 0.00001; gnomAD 0.00001; gnomAD exomes 0.00001; ExAC 0.00002.

Submissions (7):

Labcorp Genetics (formerly Invitae), Labcorp
Classification: Likely benign for Familial cancer of breast. Last evaluated: 2025-09-27. Review status: criteria provided, single submitter. Criteria: Invitae Variant Classification Sherloc (09022015). Collection method: clinical testing. Allele origin: germline.

Myriad Genetics, Inc.
Classification: Benign for Familial cancer of breast. Last evaluated: 2024-07-29. Review status: criteria provided, single submitter. Criteria: Myriad Autosomal Dominant, Autosomal Recessive and X-Linked Classification Criteria (2023). Collection method: clinical testing. Allele origin: unknown.
Comment: This variant is considered benign. This variant is a silent/synonymous amino acid change and it is not expected to impact splicing.

Quest Diagnostics Nichols Institute San Juan Capistrano
Classification: Likely benign. Last evaluated: 2018-04-03. Review status: criteria provided, single submitter. Criteria: Quest Diagnostics criteria. Collection method: clinical testing. Allele origin: germline.

Color Diagnostics, LLC DBA Color Health
Classification: Likely benign for Hereditary cancer-predisposing syndrome. Last evaluated: 2018-04-02. Review status: criteria provided, single submitter. Criteria: ACMG Guidelines, 2015. Collection method: clinical testing. Allele origin: germline.

GeneDx
Classification: Likely benign. Last evaluated: 2016-04-15. Review status: criteria provided, single submitter. Criteria: GeneDx Variant Classification (06012015). Collection method: clinical testing. Allele origin: germline. Affected: yes.
Comment: This variant is considered likely benign or benign based on one or more of the following criteria: it is a conservative change, it occurs at a poorly conserved position in the protein, it is predicted to be benign by multiple in silico algorithms, and/or has population frequency not consistent with disease.

Ambry Genetics
Classification: Likely benign for Hereditary cancer-predisposing syndrome. Last evaluated: 2015-01-13. Review status: criteria provided, single submitter. Criteria: Ambry Variant Classification Scheme 2023. Collection method: clinical testing. Allele origin: germline.

PreventionGenetics, part of Exact Sciences
Classification: Likely benign for BARD1-related condition. Last evaluated: 2024-03-20. Review status: no assertion criteria provided. Collection method: clinical testing. Allele origin: germline. Not counted in ClinVar's aggregate classification.
Comment: This variant is classified as likely benign based on ACMG/AMP sequence variant interpretation guidelines (Richards et al. 2015 PMID: 25741868, with internal and published modifications).